The following is an entry in ClinVar:

NM_005343.4(HRAS):c.482_511del (p.Arg161_Lys170del)

Genes: HRAS (HRas proto-oncogene, GTPase; minus strand), LRRC56 (leucine rich repeat containing 56; plus strand). Cytogenetic location: 11p15.5.
Variant type: Deletion.
Coding change: c.482_511del on transcript NM_005343.4 (MANE Select); coding-DNA positions 482 to 511, 30 bases deleted (GTGAGATCCGGCAGCACAAGCTGCGGAAGC).
Protein change: p.Arg161_Lys170del.
Molecular consequence: inframe deletion. On other transcripts: 3 prime UTR variant (1).
Genome position (GRCh38, 1-based): chr11:532,695-532,724, GCTTCCGCAGCTTGTGCTGCCGGATCTCAC deleted on the plus strand (GTGAGATCCGGCAGCACAAGCTGCGGAAGC on the coding strand, the reverse complement: HRAS is on the minus strand); deleting any 30 consecutive bases within chr11:532,695-532,726 gives the same sequence; the c. name uses the placement nearest the transcript's 3' end. VCF-style (leftmost placement, unchanged base first): chr11-532694-AGCTTCCGCAGCTTGTGCTGCCGGATCTCAC-A. GRCh37 (hg19) VCF-style: chr11-532694-AGCTTCCGCAGCTTGTGCTGCCGGATCTCAC-A.
Other names: c.482_511del, p.Arg161_Lys170del (NM_001130442.3); c.245_274del, p.Arg82_Lys91del (NM_001318054.2); c.*51_*80del (NM_176795.5).
Identifiers: ClinVar variation 1372348 (VCV001372348.6), dbSNP rs2133982236, ClinGen allele CA2573147047.

ClinVar aggregate classification (germline): Uncertain significance (1 of 4 stars; one submission).

Conditions:
Costello syndrome (CSTLO). Also called: FCS SYNDROME; FACIOCUTANEOSKELETAL SYNDROME; HRAS-Related Costello Syndrome. Identifiers: Orphanet 3071, MedGen C0587248, MONDO:0009026, OMIM 218040.

Submission:

Labcorp Genetics (formerly Invitae), Labcorp
Classification: Uncertain significance for Costello syndrome. Last evaluated: 2021-08-04. Review status: criteria provided, single submitter. Criteria: Invitae Variant Classification Sherloc (09022015). Collection method: clinical testing. Allele origin: germline.
Comment: This variant is not present in population databases (ExAC no frequency). In summary, the available evidence is currently insufficient to determine the role of this variant in disease. Therefore, it has been classified as a Variant of Uncertain Significance. Experimental studies and prediction algorithms are not available or were not evaluated, and the functional significance of this variant is currently unknown. This variant has not been reported in the literature in individuals affected with HRAS-related conditions. This variant, c.482_511del, results in the deletion of 10 amino acid(s) of the HRAS protein (p.Arg161_Lys170del), but otherwise preserves the integrity of the reading frame.